The following is an entry in ClinVar:

NM_182922.4(HEATR3):c.719C>T (p.Pro240Leu)

Gene: HEATR3 (HEAT repeat containing 3; plus strand). Cytogenetic location: 16q12.1.
Variant type: single nucleotide variant.
Coding change: c.719C>T on transcript NM_182922.4 (MANE Select); coding-DNA position 719, C replaced by T.
Protein change: p.Pro240Leu; replaces proline 240 with leucine.
Molecular consequence: missense variant. On other transcripts: non-coding transcript variant (2).
Genome position (GRCh38, 1-based): chr16:50,075,667, C>T. VCF-style: chr16-50075667-C-T. GRCh37 (hg19) VCF-style: chr16-50109578-C-T.
Other names: c.368C>T, p.Pro123Leu (NM_001329729.2, NM_001329730.2); c.26C>T, p.Pro9Leu (NM_001329731.2); short protein forms P123L, P240L, P9L.
Identifiers: ClinVar variation 1334103 (VCV001334103.4), dbSNP rs2150600578, ClinGen allele CA395836592.

ClinVar aggregate classification (germline): Pathogenic. Review status: criteria provided, single submitter (1 of 4 stars). 2 submissions from 2 submitters: Pathogenic (1). 1 of the submissions does not count toward it. Last evaluated 2022-01-13.

Conditions:
Diamond-Blackfan anemia 1 (DBA1). Also called: BLACKFAN-DIAMOND SYNDROME; RPS19-Related Diamond-Blackfan Anemia; ANEMIA, CONGENITAL HYPOPLASTIC, OF BLACKFAN AND DIAMOND; ANEMIA, CONGENITAL ERYTHROID HYPOPLASTIC; RED CELL APLASIA, PURE, HEREDITARY; AREGENERATIVE ANEMIA, CHRONIC CONGENITAL. Identifiers: Orphanet 124, MedGen C2676137, MONDO:0007110, OMIM 105650.
Diamond-Blackfan anemia 21. Identifiers: MedGen C5774230, MONDO:0031071, OMIM 620072.

Submissions (2):

Hematology Diagnostic Laboratory, Assistance Publique-Hôpitaux de Paris - Robert Debre Hospital
Classification: Pathogenic for Diamond-Blackfan anemia 1. Last evaluated: 2022-01-13. Review status: criteria provided, single submitter. Criteria: ACMG guideline, 2015. Collection method: clinical testing, in vitro. Allele origin: maternal, not applicable. Inheritance: Autosomal recessive inheritance. Affected: yes. Observed: 1 compound heterozygote.
Comment: This variant was associated to another variant : c.399+1G>T Classified as VUS but functional analysis has been performed and confirmed the pathogenicity. Publication submitted to Blood journal. In favorable revision in December 2021.

OMIM
Classification: Pathogenic for DIAMOND-BLACKFAN ANEMIA 21. Last evaluated: 2022-10-12. Review status: no assertion criteria provided. Collection method: literature only. Allele origin: germline. Not counted in ClinVar's aggregate classification.

Literature cited by the submitters: PubMed 35213692 (cited by OMIM).